The following is an entry in ClinVar:

ClinVar aggregate classification (germline): Pathogenic (1 of 4 stars; one submission).

Conditions:
Breast-ovarian cancer, familial, susceptibility to, 4. Identifiers: Orphanet 145, MedGen C3280345, MONDO:0013669, OMIM 614291.

Submission:

Labcorp Genetics (formerly Invitae), Labcorp
Classification: Pathogenic for Breast-ovarian cancer, familial, susceptibility to, 4. Last evaluated: 2016-10-17. Review status: criteria provided, single submitter. Criteria: Invitae Variant Classification Sherloc (09022015). Collection method: clinical testing. Allele origin: germline.
Comment: This variant is a gross deletion of the genomic region encompassing exons 7-10 of the RAD51D gene. The 5' boundary is likely confined to intron 6. The 3' end of this event is unknown as it extends through the termination codon beyond the assayed region for this gene and may encompass additional genes. While this deletion is not anticipated to result in nonsense mediated decay, it is expected to create a truncated RAD51D protein. While a deletion of exons 7-10 has not been reported in the literature, a similar deletion of exons 9-10 was found to segregate in a family with ovarian cancer (Invitae database). This gross deletion is expected to remove the C-terminus of the ATPase domain of the RAD51D protein (PMID: 14704354, 19327148, 21111057), which is required for interacting with RAD51C during homologous recombination (HR) repair (PMID: 14704354, 19327148). Experimental studies have shown that a splice variant (RAD51DD8) with a smaller deletion of exons 8-10 does not interact with RAD51C and does not complement DNA crosslink repair activity in mouse Rad51d-deficient cells (PMID: 19327148). For these reasons, this variant has been classified as Pathogenic.

NC_000017.11:g.(?_35099792)_(35103544_?)del

Genes: RAD51L3-RFFL (RAD51L3-RFFL readthrough; minus strand), RAD51D (RAD51 paralog D; minus strand). Cytogenetic location: 17q12.
Variant type: Deletion.
Identifiers: ClinVar variation 417528 (VCV000417528.1).